The following is an entry in ClinVar:

NM_014862.4(ARNT2):c.916G>A (p.Gly306Ser)

Gene: ARNT2 (aryl hydrocarbon receptor nuclear translocator 2; plus strand). Cytogenetic location: 15q25.1.
Variant type: single nucleotide variant.
Coding change: c.916G>A on transcript NM_014862.4 (MANE Select); coding-DNA position 916, G replaced by A.
Protein change: p.Gly306Ser; replaces glycine 306 with serine.
Molecular consequence: missense variant.
Genome position (GRCh38, 1-based): chr15:80,551,237, G>A. VCF-style: chr15-80551237-G-A. GRCh37 (hg19) VCF-style: chr15-80843578-G-A.
Other names: short protein forms G306S.
Identifiers: ClinVar variation 790152 (VCV000790152.13), dbSNP rs150765047, ClinGen allele CA7691855.

ClinVar aggregate classification (germline): Likely benign. Review status: criteria provided, single submitter (1 of 4 stars). 2 submissions from 2 submitters: Likely benign (1). 1 of the submissions does not count toward it. Last evaluated 2026-01-19.

Conditions:
ARNT2-related disorder. Also called: ARNT2-related condition.

Allele frequency attached by ClinVar (database versions not stated): gnomAD exomes 0.00017 and 0.00040; ExAC 0.00051; ESP Exome Variant Server 0.00177; gnomAD 0.00181 and 0.00193; 1000 Genomes Project 30x 0.00187; TOPMed 0.00189; 1000 Genomes Project 0.00200.
gnomAD v4.1: 523 of 1,614,042 alleles (0.032%); highest among the groups gnomAD compares: African/African-American, 0.65%; 1 homozygote.

Submissions (2):

Labcorp Genetics (formerly Invitae), Labcorp
Classification: Likely benign. Last evaluated: 2026-01-19. Review status: criteria provided, single submitter. Criteria: Invitae Variant Classification Sherloc (09022015). Collection method: clinical testing. Allele origin: germline.

PreventionGenetics, part of Exact Sciences
Classification: Likely benign for ARNT2-related condition. Last evaluated: 2020-01-03. Review status: no assertion criteria provided. Collection method: clinical testing. Allele origin: germline. Not counted in ClinVar's aggregate classification.
Comment: This variant is classified as likely benign based on ACMG/AMP sequence variant interpretation guidelines (Richards et al. 2015 PMID: 25741868, with internal and published modifications).